The following is an entry in ClinVar:

NM_000051.4(ATM):c.6267dup (p.Asp2090fs)

Genes: ATM (ATM serine/threonine kinase; plus strand), C11orf65 (chromosome 11 open reading frame 65; minus strand). Cytogenetic location: 11q22.3.
Variant type: Duplication.
Coding change: c.6267dup on transcript NM_000051.4 (MANE Select); coding-DNA position 6267, one base duplicated (A; older notation c.6267dupA).
Protein change: p.Asp2090fs; shifts the reading frame from aspartic acid 2090.
Molecular consequence: frameshift variant. On other transcripts: intron variant (2).
Genome position (GRCh38, 1-based): chr11:108,317,441, A duplicated; the last of 3 consecutive A bases (chr11:108,317,439-108,317,441); duplicating any one gives the same sequence. VCF-style (leftmost placement, unchanged base first): chr11-108317438-T-TA. GRCh37 (hg19) VCF-style: chr11-108188165-T-TA.
Other names: c.6267dupA (NM_000051.3); c.6267dup, p.Asp2090fs (NM_001351834.2); c.641-8368dup (NM_001330368.2); c.*39-8368dup (NM_001351110.2); short protein forms D2090fs.
Identifiers: ClinVar variation 1752521 (VCV001752521.2), dbSNP rs2547114959, ClinGen allele CA2580083385.

ClinVar aggregate classification (germline): Pathogenic (1 of 4 stars; one submission).

Conditions:
Hereditary cancer-predisposing syndrome. Also called: Hereditary neoplastic syndrome; Neoplastic Syndromes, Hereditary; Tumor predisposition; Hereditary Cancer Syndrome. Identifiers: Orphanet 140162, MedGen C0027672, MeSH D009386, MONDO:0015356.

Submission:

Ambry Genetics
Classification: Pathogenic for Hereditary cancer-predisposing syndrome. Last evaluated: 2021-06-22. Review status: criteria provided, single submitter. Criteria: Ambry Variant Classification Scheme 2023. Collection method: clinical testing. Allele origin: germline.
Comment: The c.6267dupA variant, located in coding exon 42 of the ATM gene, results from a duplication of A at nucleotide position 6267, causing a translational frameshift with a predicted alternate stop codon (p.D2090Rfs*5). This alteration is expected to result in loss of function by premature protein truncation or nonsense-mediated mRNA decay. As such, this alteration is interpreted as a disease-causing mutation.